The following is an entry in ClinVar:

NM_001005273.3(CHD3):c.3488A>C (p.Asp1163Ala)

Gene: CHD3 (chromodomain helicase DNA binding protein 3; plus strand). Cytogenetic location: 17p13.1.
Variant type: single nucleotide variant.
Coding change: c.3488A>C on transcript NM_001005273.3 (MANE Select); coding-DNA position 3488, A replaced by C.
Protein change: p.Asp1163Ala; replaces aspartic acid 1163 with alanine.
Molecular consequence: missense variant.
Genome position (GRCh38, 1-based): chr17:7,903,054, A>C. VCF-style: chr17-7903054-A-C. GRCh37 (hg19) VCF-style: chr17-7806372-A-C.
Other names: c.3665A>C, p.Asp1222Ala (NM_001005271.3); c.3488A>C, p.Asp1163Ala (NM_005852.4); c.3665A>C (NM_001005271.2); short protein forms D1163A, D1222A.
Identifiers: ClinVar variation 3777185 (VCV003777185.1).

ClinVar aggregate classification (germline): Uncertain significance (1 of 4 stars; one submission).

Conditions:
Snijders Blok-Campeau syndrome. Also called: INTELLECTUAL DEVELOPMENTAL DISORDER WITH MACROCEPHALY, SPEECH DELAY, AND DYSMORPHIC FACIES. Identifiers: Orphanet 599082, MedGen C4748701, MONDO:0032600, OMIM 618205.

Submission:

University of Washington Department of Laboratory Medicine, University of Washington
Classification: Uncertain significance for Snijders Blok-Campeau syndrome. Last evaluated: 2022-10-11. Review status: criteria provided, single submitter. Criteria: ACMG Guidelines, 2015. Collection method: clinical testing. Allele origin: unknown. Affected: yes.
Comment: The p.Asp1222Ala variant in the CHD3 gene has not been previously reported in association with disease. This variant was absent from large population databases, including the Genome Aggregation Database. The p.Asp1222Ala variant is located in the C-terminal portion of the helicase domain of the CHD3 protein. Other disease causing variants have been described to cluster in this region (van der Spek 2022). The CHD3 gene has fewer missense variants than expected in the general population. A low rate of missense variation may suggest that this gene is intolerant to missense variation. In silico tools predict that this variant is deleterious; however, these predictions have not been tested directly. Using ACMG guidelines, this variant was classified as a variant of uncertain significance (ACMG evidence codes used: PM1, PM2_supporting, PP2, PP3).